The following is an entry in ClinVar:

NM_000186.4(CFH):c.1330C>T (p.Arg444Cys)

Gene: CFH (complement factor H; plus strand). Cytogenetic location: 1q31.3.
Variant type: single nucleotide variant.
Coding change: c.1330C>T on transcript NM_000186.4 (MANE Select); coding-DNA position 1330, C replaced by T.
Protein change: p.Arg444Cys; replaces arginine 444 with cysteine.
Molecular consequence: missense variant.
Genome position (GRCh38, 1-based): chr1:196,690,233, C>T. VCF-style: chr1-196690233-C-T. GRCh37 (hg19) VCF-style: chr1-196659363-C-T.
Other names: c.1330C>T, p.Arg444Cys (NM_001014975.3); short protein forms R444C.
Identifiers: ClinVar variation 4291380 (VCV004291380.2).
Genomic context (GRCh38, chr1:196,690,233, plus strand): 5'-AAAGCGCAGACCACAGTTACATGTATGGAGAATGGCTGGTCTCCTACTCCCAGATGCATC[C>T]GTGTCAGTAAGTACACTACTCTGAAATCCTAGCATGTTCATGTCTTTCTAAGTAACATAG-3'
Protein context (NP_000177.2, residues 434-454): NGWSPTPRCI[Arg444Cys]VKTCSKSSID

ClinVar aggregate classification (germline): Uncertain significance. Review status: criteria provided, multiple submitters, no conflicts (2 of 4 stars). 2 submissions from 2 submitters: Uncertain significance (2). Last evaluated 2025-10-02.

Conditions:
Age related macular degeneration 4. Identifiers: MedGen C1853147, MONDO:0012540, OMIM 610698.

gnomAD v4.1: 10 of 1,613,150 alleles (0.00062%); highest among the groups gnomAD compares: South Asian, 0.0088%; no homozygotes.

Submissions (2):

Genomenon, Inc
Classification: Uncertain significance for Age related macular degeneration 4. Last evaluated: 2025-10-02. Review status: criteria provided, single submitter. Criteria: Genomenon Sequence Variant Interpretation Standards - Updated. Collection method: curation. Allele origin: germline. Affected: yes.
Comment: CFH p.Arg444Cys (c.1330C>T) is a missense variant that changes the amino acid at residue 444 from Arginine to Cysteine. This variant has been observed in at least one proband affected with age-related macular degeneration (PMID:18421087). It is absent or not present at a significant frequency in gnomAD. In conclusion, we classify CFH p.Arg444Cys (c.1330C>T) as a variant of uncertain significance.

Blueprint Genetics
Classification: Uncertain significance. Last evaluated: 2021-07-21. Review status: criteria provided, single submitter. Criteria: ACMG Guidelines, 2015. Collection method: clinical testing. Allele origin: germline.

Literature cited by the submitters: PubMed 18421087 (cited by Genomenon, Inc).